The following is an entry in ClinVar:

NM_183357.3(ADCY5):c.892A>G (p.Met298Val)

Gene: ADCY5 (adenylate cyclase 5; minus strand). Cytogenetic location: 3q21.1.
Variant type: single nucleotide variant.
Coding change: c.892A>G on transcript NM_183357.3 (MANE Select); coding-DNA position 892, A replaced by G.
Protein change: p.Met298Val; replaces methionine 298 with valine.
Molecular consequence: missense variant.
Genome position (GRCh38, 1-based): chr3:123,447,654, T>C on the plus strand (A>G on the coding strand, the complement: ADCY5 is on the minus strand). VCF-style: chr3-123447654-T-C. GRCh37 (hg19) VCF-style: chr3-123166501-T-C.
Other names: c.892A>G, p.Met298Val (NM_001378259.1); short protein forms M298V.
Identifiers: ClinVar variation 3606751 (VCV003606751.2).

ClinVar aggregate classification (germline): Uncertain significance (1 of 4 stars; one submission).

gnomAD v4.1: 5 of 1,608,366 alleles (0.00031%); highest among the groups gnomAD compares: Non-Finnish European, 0.00042%; no homozygotes.

Submission:

Labcorp Genetics (formerly Invitae), Labcorp
Classification: Uncertain significance. Last evaluated: 2024-09-11. Review status: criteria provided, single submitter. Criteria: Invitae Variant Classification Sherloc (09022015). Collection method: clinical testing. Allele origin: germline.
Comment: This sequence change replaces methionine, which is neutral and non-polar, with valine, which is neutral and non-polar, at codon 298 of the ADCY5 protein (p.Met298Val). This variant is not present in population databases (gnomAD no frequency). This variant has not been reported in the literature in individuals affected with ADCY5-related conditions. Invitae Evidence Modeling of protein sequence and biophysical properties (such as structural, functional, and spatial information, amino acid conservation, physicochemical variation, residue mobility, and thermodynamic stability) has been performed for this missense variant. However, the output from this modeling did not meet the statistical confidence thresholds required to predict the impact of this variant on ADCY5 protein function. In summary, the available evidence is currently insufficient to determine the role of this variant in disease. Therefore, it has been classified as a Variant of Uncertain Significance.